The following is an entry in ClinVar:

ClinVar aggregate classification (germline): Pathogenic (1 of 4 stars; one submission).

Conditions:
Neurofibromatosis, type 1 (NF1). Also called: Peripheral type neurofibromatosis; NEUROFIBROMATOSIS, TYPE I, SOMATIC; VON RECKLINGHAUSEN DISEASE; Neurofibromatosis, type I. Identifiers: Orphanet 636, MedGen C0027831, MONDO:0018975, OMIM 162200. Disease mechanism: loss of function.

Submission:

Labcorp Genetics (formerly Invitae), Labcorp
Classification: Pathogenic for Neurofibromatosis, type 1. Last evaluated: 2023-07-25. Review status: criteria provided, single submitter. Criteria: Invitae Variant Classification Sherloc (09022015). Collection method: clinical testing. Allele origin: germline.
Comment: This variant has not been reported in the literature in individuals affected with NF1-related conditions. For these reasons, this variant has been classified as Pathogenic. This variant is not present in population databases (gnomAD no frequency). This sequence change creates a premature translational stop signal (p.Lys490Serfs*8) in the NF1 gene. It is expected to result in an absent or disrupted protein product. Loss-of-function variants in NF1 are known to be pathogenic (PMID: 10712197, 23913538).

Literature cited by the submitters: PubMed 10712197; PubMed 23913538.

NM_001042492.3(NF1):c.1469del (p.Lys490fs)

Gene: NF1 (neurofibromin 1; plus strand). Cytogenetic location: 17q11.2.
Variant type: Deletion.
Coding change: c.1469del on transcript NM_001042492.3 (MANE Select); coding-DNA position 1469, one base deleted (A; older notation c.1469delA).
Protein change: p.Lys490fs; shifts the reading frame from lysine 490.
Molecular consequence: frameshift variant.
Genome position (GRCh38, 1-based): chr17:31,214,527, A deleted; the last of 2 consecutive A bases (chr17:31,214,526-31,214,527); deleting either gives the same sequence. VCF-style (leftmost placement, unchanged base first): chr17-31214525-TA-T. GRCh37 (hg19) VCF-style: chr17-29541543-TA-T.
Other names: c.1469delA, p.Lys490Serfs (NM_000267.4); c.1469del, p.Lys490fs (NM_001128147.3); short protein forms K490fs.
Identifiers: ClinVar variation 2746554 (VCV002746554.3), dbSNP rs2544829534, ClinGen allele CA2697559677.